The following is an entry in ClinVar:

NM_173471.4(SLC25A26):c.-352T>A

Genes: SLC25A26 (solute carrier family 25 member 26; plus strand), LOC129936985 (ATAC-STARR-seq lymphoblastoid active region 20037; plus strand). Cytogenetic location: 3p14.1.
Variant type: single nucleotide variant.
Coding change: c.-352T>A on transcript NM_173471.4; 352 bases upstream of the start codon, T replaced by A.
Molecular consequence: 5 prime UTR variant. On other transcripts: non-coding transcript variant (1).
Genome position (GRCh38, 1-based): chr3:66,220,743, T>A. VCF-style: chr3-66220743-T-A. GRCh37 (hg19) VCF-style: chr3-66271169-T-A.
Other names: c.-703T>A (NM_001350993.1); c.-459T>A (NM_001164796.1).
Identifiers: ClinVar variation 673257 (VCV000673257.3), dbSNP rs141331547, ClinGen allele CA76462459.

ClinVar aggregate classification (germline): Benign (1 of 4 stars; one submission).

Allele frequency attached by ClinVar (database versions not stated): TOPMed 0.02322; 1000 Genomes Project 30x 0.02577; gnomAD exomes 0.00186; gnomAD 0.02082 and 0.02226; 1000 Genomes Project 0.02516.
gnomAD v4.1: 3,608 of 389,416 alleles (0.93%); highest among the groups gnomAD compares: African/African-American, 7.2%; 127 homozygotes.

Submission:

GeneDx
Classification: Benign. Last evaluated: 2018-06-14. Review status: criteria provided, single submitter. Criteria: GeneDx Variant Classification (06012015). Collection method: clinical testing. Allele origin: germline. Affected: yes.
Comment: This variant is considered likely benign or benign based on one or more of the following criteria: it is a conservative change, it occurs at a poorly conserved position in the protein, it is predicted to be benign by multiple in silico algorithms, and/or has population frequency not consistent with disease.